The following is an entry in ClinVar:

NM_178452.6(DNAAF1):c.679C>T (p.Leu227Phe)

Gene: DNAAF1 (dynein axonemal assembly factor 1; plus strand). Cytogenetic location: 16q24.1.
Variant type: single nucleotide variant.
Coding change: c.679C>T on transcript NM_178452.6 (MANE Select); coding-DNA position 679, C replaced by T.
Protein change: p.Leu227Phe; replaces leucine 227 with phenylalanine.
Molecular consequence: missense variant.
Genome position (GRCh38, 1-based): chr16:84,155,687, C>T. VCF-style: chr16-84155687-C-T. GRCh37 (hg19) VCF-style: chr16-84189292-C-T.
Other names: short protein forms L227F.
Identifiers: ClinVar variation 2117920 (VCV002117920.4), dbSNP rs1453223029, ClinGen allele CA396943813.
Genomic context (GRCh38, chr16:84,155,687, plus strand): 5'-CTGGAGACCGTGGAGGACATTCAGCATCTACAAGAGTGTTTGAGGCTTTGTGTCCTTGAC[C>T]TTTCGCACAACAAGCTGAGTGACCCGGAGATCCTGAGCATTCTGGAAAGCATGCCCGATT-3'
Protein context (NP_848547.4, residues 217-237): QECLRLCVLD[Leu227Phe]SHNKLSDPEI

ClinVar aggregate classification (germline): Uncertain significance (1 of 4 stars; one submission).

Conditions:
Primary ciliary dyskinesia. Also called: Ciliary dyskinesia. Identifiers: Orphanet 244, MedGen C0008780, MONDO:0016575, HP:0012265.

Allele frequency attached by ClinVar (database versions not stated): gnomAD exomes below 0.00001.

Submission:

Labcorp Genetics (formerly Invitae), Labcorp
Classification: Uncertain significance for Primary ciliary dyskinesia. Last evaluated: 2022-03-26. Review status: criteria provided, single submitter. Criteria: Invitae Variant Classification Sherloc (09022015). Collection method: clinical testing. Allele origin: germline.
Comment: Algorithms developed to predict the effect of missense changes on protein structure and function are either unavailable or do not agree on the potential impact of this missense change (SIFT: "Deleterious"; PolyPhen-2: "Probably Damaging"; Align-GVGD: "Class C15"). In summary, the available evidence is currently insufficient to determine the role of this variant in disease. Therefore, it has been classified as a Variant of Uncertain Significance. This variant has not been reported in the literature in individuals affected with DNAAF1-related conditions. This variant is present in population databases (no rsID available, gnomAD 0.006%). This sequence change replaces leucine, which is neutral and non-polar, with phenylalanine, which is neutral and non-polar, at codon 227 of the DNAAF1 protein (p.Leu227Phe).